The following is an entry in ClinVar:

ClinVar aggregate classification (germline): Likely benign. Review status: criteria provided, multiple submitters, no conflicts (2 of 4 stars). 7 submissions from 6 submitters: Likely benign (7). Last evaluated 2026-06-16.

Conditions:
RASopathy. Also called: rasopathies; Noonan spectrum disorder. Identifiers: Orphanet 536391, MedGen C5555857, MONDO:0021060.
Fibromatosis, gingival, 1 (GINGF1). Identifiers: Orphanet 2024, MedGen C4551558, MONDO:0007609, OMIM 135300.
Noonan syndrome 4 (NS4). Also called: SOS1-Related Noonan Syndrome; NOONAN SYNDROME WITH PIGMENTED VILLONODULAR SYNOVITIS. Identifiers: Orphanet 648, MedGen C1853120, MONDO:0012547, OMIM 610733.
Cardiovascular phenotype. Identifiers: MedGen CN230736.
SOS1-related disorder. Also called: SOS1-related condition.

Allele frequency attached by ClinVar (database versions not stated): gnomAD exomes below 0.00001 and 0.00001; gnomAD 0.00001; TOPMed 0.00002.
gnomAD v4.1: 7 of 1,613,798 alleles (0.00043%); highest among the groups gnomAD compares: African/African-American, 0.0013%; no homozygotes.

Submissions (7):

PreventionGenetics, part of Exact Sciences
Classification: Likely benign for SOS1-related condition. Last evaluated: 2026-06-16. Review status: criteria provided, single submitter. Criteria: ACMG Guidelines, 2015. Collection method: clinical testing. Allele origin: germline.
Comment: This variant is classified as likely benign based on ACMG/AMP sequence variant interpretation guidelines (Richards et al. 2015 PMID: 25741868, with internal and published modifications).

Labcorp Genetics (formerly Invitae), Labcorp
Classification: Likely benign for RASopathy. Last evaluated: 2025-06-12. Review status: criteria provided, single submitter. Criteria: Invitae Variant Classification Sherloc (09022015). Collection method: clinical testing. Allele origin: germline.

Ambry Genetics
Classification: Likely benign for Cardiovascular phenotype. Last evaluated: 2024-06-30. Review status: criteria provided, single submitter. Criteria: Ambry Variant Classification Scheme 2023. Collection method: clinical testing. Allele origin: germline.

Blueprint Genetics
Classification: Likely benign. Last evaluated: 2022-03-17. Review status: criteria provided, single submitter. Criteria: ACMG Guidelines, 2015. Collection method: clinical testing. Allele origin: germline.

Women's Health and Genetics/Laboratory Corporation of America, LabCorp
Classification: Likely benign. Last evaluated: 2022-02-06. Review status: criteria provided, single submitter. Criteria: LabCorp Variant Classification Summary - May 2015. Collection method: clinical testing. Allele origin: germline.
Comment: Variant summary: SOS1 c.3732T>C alters a non-conserved nucleotide resulting in a synonymous change. 4/4 computational tools predict no significant impact on normal splicing. However, these predictions have yet to be confirmed by functional studies. The variant allele was found at a frequency of 4e-06 in 251046 control chromosomes. The available data on variant occurrences in the general population are insufficient to allow any conclusion about variant significance. To our knowledge, no occurrence of c.3732T>C in individuals affected with Noonan Syndrome and no experimental evidence demonstrating its impact on protein function have been reported. One clinical diagnostic laboratory has submitted clinical-significance assessments for this variant to ClinVar after 2014 without evidence for independent evaluation and classified the variant as likely benign. Based on the evidence outlined above, the variant was classified as likely benign.

Genome-Nilou Lab
Classification: Likely benign for Noonan syndrome 4. Review status: criteria provided, single submitter. Criteria: ACMG Guidelines, 2015. Collection method: clinical testing. Allele origin: germline.

Genome-Nilou Lab
Classification: Likely benign for Fibromatosis, gingival, 1. Review status: criteria provided, single submitter. Criteria: ACMG Guidelines, 2015. Collection method: clinical testing. Allele origin: germline.

NM_005633.4(SOS1):c.3732T>C (p.His1244=)

Gene: SOS1 (SOS Ras/Rac guanine nucleotide exchange factor 1; minus strand). Cytogenetic location: 2p22.1.
Variant type: single nucleotide variant.
Coding change: c.3732T>C on transcript NM_005633.4 (MANE Select); coding-DNA position 3732, T replaced by C.
Protein change: p.His1244=; no amino-acid change (histidine 1244 retained).
Molecular consequence: synonymous variant.
Genome position (GRCh38, 1-based): chr2:38,986,094, A>G on the plus strand (T>C on the coding strand, the complement: SOS1 is on the minus strand). VCF-style: chr2-38986094-A-G. GRCh37 (hg19) VCF-style: chr2-39213235-A-G.
Other names: c.3711T>C, p.His1237= (NM_001382394.1); c.3687T>C, p.His1229= (NM_001382395.1).
Identifiers: ClinVar variation 1101019 (VCV001101019.14), dbSNP rs1391583247, ClinGen allele CA425866504.